The following is an entry in ClinVar:

NM_001355436.2(SPTB):c.3560A>G (p.Gln1187Arg)

Gene: SPTB (spectrin beta, erythrocytic; minus strand). Cytogenetic location: 14q23.3.
Variant type: single nucleotide variant.
Coding change: c.3560A>G on transcript NM_001355436.2 (MANE Select); coding-DNA position 3560, A replaced by G.
Protein change: p.Gln1187Arg; replaces glutamine 1187 with arginine.
Molecular consequence: missense variant.
Genome position (GRCh38, 1-based): chr14:64,786,405, T>C on the plus strand (A>G on the coding strand, the complement: SPTB is on the minus strand). VCF-style: chr14-64786405-T-C. GRCh37 (hg19) VCF-style: chr14-65253123-T-C.
Other names: c.3560A>G, p.Gln1187Arg (NM_001024858.4, NM_001355437.2); short protein forms Q1187R.
Identifiers: ClinVar variation 3721797 (VCV003721797.3).

ClinVar aggregate classification (germline): Uncertain significance. Review status: criteria provided, multiple submitters, no conflicts (2 of 4 stars). 2 submissions from 2 submitters: Uncertain significance (2). Last evaluated 2024-09-29.

Submissions (2):

Labcorp Genetics (formerly Invitae), Labcorp
Classification: Uncertain significance. Last evaluated: 2024-09-29. Review status: criteria provided, single submitter. Criteria: Invitae Variant Classification Sherloc (09022015). Collection method: clinical testing. Allele origin: germline.
Comment: This sequence change replaces glutamine, which is neutral and polar, with arginine, which is basic and polar, at codon 1187 of the SPTB protein (p.Gln1187Arg). This variant is not present in population databases (gnomAD no frequency). This variant has not been reported in the literature in individuals affected with SPTB-related conditions. An algorithm developed to predict the effect of missense changes on protein structure and function (PolyPhen-2) suggests that this variant is likely to be disruptive. Algorithms developed to predict the effect of sequence changes on RNA splicing suggest that this variant may disrupt the consensus splice site. In summary, the available evidence is currently insufficient to determine the role of this variant in disease. Therefore, it has been classified as a Variant of Uncertain Significance.

Revvity Omics, Revvity
Classification: Uncertain significance. Last evaluated: 2023-10-05. Review status: criteria provided, single submitter. Criteria: ACMG Guidelines, 2015. Collection method: clinical testing. Allele origin: germline.